The following is an entry in ClinVar:

NM_016169.4(SUFU):c.317+157G>A

Gene: SUFU (SUFU negative regulator of hedgehog signaling; plus strand). Cytogenetic location: 10q24.32.
Variant type: single nucleotide variant.
Coding change: c.317+157G>A on transcript NM_016169.4 (MANE Select); 157 bases into the intron after coding-DNA position 317, G replaced by A.
Molecular consequence: intron variant.
Genome position (GRCh38, 1-based): chr10:102,509,460, G>A. VCF-style: chr10-102509460-G-A. GRCh37 (hg19) VCF-style: chr10-104269217-G-A.
Other names: c.317+157G>A (NM_001178133.2).
Identifiers: ClinVar variation 677130 (VCV000677130.2), dbSNP rs2281880, ClinGen allele CA13366701.

ClinVar aggregate classification (germline): Benign. Review status: criteria provided, multiple submitters, no conflicts (2 of 4 stars). 2 submissions from 2 submitters: Benign (2). Last evaluated 2018-06-15.

Allele frequency attached by ClinVar (database versions not stated): 1000 Genomes Project 30x 0.39600; 1000 Genomes Project 0.39677; TOPMed 0.44265; gnomAD 0.46118 and 0.46151.
gnomAD v4.1: 70,137 of 151,888 alleles (46%); highest among the groups gnomAD compares: Middle Eastern, 61%; 17,175 homozygotes.

Submissions (2):

GeneDx
Classification: Benign. Last evaluated: 2018-06-15. Review status: criteria provided, single submitter. Criteria: GeneDx Variant Classification (06012015). Collection method: clinical testing. Allele origin: germline. Affected: yes.
Comment: This variant is considered likely benign or benign based on one or more of the following criteria: it is a conservative change, it occurs at a poorly conserved position in the protein, it is predicted to be benign by multiple in silico algorithms, and/or has population frequency not consistent with disease.

Breakthrough Genomics
Classification: Benign. Review status: criteria provided, single submitter. Criteria: ACMG Guidelines, 2015. Collection method: not provided. Allele origin: germline. Inheritance: Autosomal recessive inheritance. Affected: yes.